The following is an entry in ClinVar:

ClinVar aggregate classification (germline): Uncertain significance (1 of 4 stars; one submission).

Allele frequency attached by ClinVar (database versions not stated): ExAC 0.00007; ESP Exome Variant Server 0.00008; TOPMed 0.00012; gnomAD 0.00014; gnomAD exomes 0.00015.
gnomAD v4.1: 243 of 1,611,676 alleles (0.015%); highest among the groups gnomAD compares: Non-Finnish European, 0.018%; no homozygotes.

Submission:

Labcorp Genetics (formerly Invitae), Labcorp
Classification: Uncertain significance. Last evaluated: 2024-12-10. Review status: criteria provided, single submitter. Criteria: Invitae Variant Classification Sherloc (09022015). Collection method: clinical testing. Allele origin: germline.
Comment: This sequence change replaces proline, which is neutral and non-polar, with leucine, which is neutral and non-polar, at codon 316 of the CNOT1 protein (p.Pro316Leu). This variant is present in population databases (rs369419200, gnomAD 0.01%). This variant has not been reported in the literature in individuals affected with CNOT1-related conditions. ClinVar contains an entry for this variant (Variation ID: 2763686). An algorithm developed to predict the effect of missense changes on protein structure and function (PolyPhen-2) suggests that this variant is likely to be tolerated. In summary, the available evidence is currently insufficient to determine the role of this variant in disease. Therefore, it has been classified as a Variant of Uncertain Significance.

NM_016284.5(CNOT1):c.947C>T (p.Pro316Leu)

Gene: CNOT1 (CCR4-NOT transcription complex subunit 1; minus strand). Cytogenetic location: 16q21.
Variant type: single nucleotide variant.
Coding change: c.947C>T on transcript NM_016284.5 (MANE Select); coding-DNA position 947, C replaced by T.
Protein change: p.Pro316Leu; replaces proline 316 with leucine.
Molecular consequence: missense variant. On other transcripts: non-coding transcript variant (1).
Genome position (GRCh38, 1-based): chr16:58,582,890, G>A on the plus strand (C>T on the coding strand, the complement: CNOT1 is on the minus strand). VCF-style: chr16-58582890-G-A. GRCh37 (hg19) VCF-style: chr16-58616794-G-A.
Other names: c.947C>T, p.Pro316Leu (NM_001265612.2, NM_206999.3); short protein forms P316L.
Identifiers: ClinVar variation 2763686 (VCV002763686.3), dbSNP rs369419200, ClinGen allele CA8090014.